The following is an entry in ClinVar:

ClinVar aggregate classification (germline): Uncertain significance (1 of 4 stars; one submission).

Submission:

Labcorp Genetics (formerly Invitae), Labcorp
Classification: Uncertain significance. Last evaluated: 2024-01-19. Review status: criteria provided, single submitter. Criteria: Invitae Variant Classification Sherloc (09022015). Collection method: clinical testing. Allele origin: germline.
Comment: This sequence change replaces lysine, which is basic and polar, with arginine, which is basic and polar, at codon 1974 of the MYO7A protein (p.Lys1974Arg). This variant is not present in population databases (gnomAD no frequency). This variant has not been reported in the literature in individuals affected with MYO7A-related conditions. ClinVar contains an entry for this variant (Variation ID: 1399466). Advanced modeling of protein sequence and biophysical properties (such as structural, functional, and spatial information, amino acid conservation, physicochemical variation, residue mobility, and thermodynamic stability) performed at Invitae indicates that this missense variant is not expected to disrupt MYO7A protein function with a negative predictive value of 95%. In summary, the available evidence is currently insufficient to determine the role of this variant in disease. Therefore, it has been classified as a Variant of Uncertain Significance.

NM_000260.4(MYO7A):c.5921A>G (p.Lys1974Arg)

Gene: MYO7A (myosin VIIA; plus strand). Cytogenetic location: 11q13.5.
Variant type: single nucleotide variant.
Coding change: c.5921A>G on transcript NM_000260.4 (MANE Select); coding-DNA position 5921, A replaced by G.
Protein change: p.Lys1974Arg; replaces lysine 1974 with arginine.
Molecular consequence: missense variant.
Genome position (GRCh38, 1-based): chr11:77,208,494, A>G. VCF-style: chr11-77208494-A-G. GRCh37 (hg19) VCF-style: chr11-76919539-A-G.
Other names: c.5807A>G, p.Lys1936Arg (NM_001127180.2); c.5774A>G, p.Lys1925Arg (NM_001369365.1); short protein forms K1925R, K1974R, K1936R.
Identifiers: ClinVar variation 1399466 (VCV001399466.6), dbSNP rs1957616524, ClinGen allele CA381932764.